The following is an entry in ClinVar:

ClinVar aggregate classification (germline): Uncertain significance (1 of 4 stars; one submission).

Conditions:
Zellweger spectrum disorders (ZS). Also called: Zellweger Spectrum Disorder (ZSD); Zellweger Spectrum Disorder; Zellweger Spectrum; Zellweger syndrome. Identifiers: Orphanet 912, MedGen C0043459, MONDO:0019609.

Allele frequency attached by ClinVar (database versions not stated): gnomAD exomes 0.00001.

Submission:

Labcorp Genetics (formerly Invitae), Labcorp
Classification: Uncertain significance for Zellweger spectrum disorders. Last evaluated: 2022-07-06. Review status: criteria provided, single submitter. Criteria: Invitae Variant Classification Sherloc (09022015). Collection method: clinical testing. Allele origin: germline.
Comment: This sequence change replaces glycine, which is neutral and non-polar, with glutamic acid, which is acidic and polar, at codon 12 of the PEX1 protein (p.Gly12Glu). This variant is present in population databases (rs747408581, gnomAD 0.003%). This variant has not been reported in the literature in individuals affected with PEX1-related conditions. ClinVar contains an entry for this variant (Variation ID: 1448974). Algorithms developed to predict the effect of missense changes on protein structure and function output the following: SIFT: "Tolerated"; PolyPhen-2: "Benign"; Align-GVGD: "Class C0". The glutamic acid amino acid residue is found in multiple mammalian species, which suggests that this missense change does not adversely affect protein function. In summary, the available evidence is currently insufficient to determine the role of this variant in disease. Therefore, it has been classified as a Variant of Uncertain Significance.

NM_000466.3(PEX1):c.35G>A (p.Gly12Glu)

Genes: PEX1 (peroxisomal biogenesis factor 1; minus strand), LOC129998796 (ATAC-STARR-seq lymphoblastoid silent region 18372; plus strand). Cytogenetic location: 7q21.2.
Variant type: single nucleotide variant.
Coding change: c.35G>A on transcript NM_000466.3 (MANE Select); coding-DNA position 35, G replaced by A.
Protein change: p.Gly12Glu; replaces glycine 12 with glutamic acid.
Molecular consequence: missense variant. On other transcripts: 5 prime UTR variant (1).
Genome position (GRCh38, 1-based): chr7:92,528,401, C>T on the plus strand (G>A on the coding strand, the complement: PEX1 is on the minus strand). VCF-style: chr7-92528401-C-T. GRCh37 (hg19) VCF-style: chr7-92157715-C-T.
Other names: c.35G>A, p.Gly12Glu (NM_001282677.2); c.-625G>A (NM_001282678.2); short protein forms G12E.
Identifiers: ClinVar variation 1448974 (VCV001448974.5), dbSNP rs747408581, ClinGen allele CA4341704.